The following is an entry in ClinVar:

NM_000057.4(BLM):c.371A>G (p.Asn124Ser)

Gene: BLM (BLM RecQ like helicase; plus strand). Cytogenetic location: 15q26.1.
Variant type: single nucleotide variant.
Coding change: c.371A>G on transcript NM_000057.4 (MANE Select); coding-DNA position 371, A replaced by G.
Protein change: p.Asn124Ser; replaces asparagine 124 with serine.
Molecular consequence: missense variant. On other transcripts: 5 prime UTR variant (1).
Genome position (GRCh38, 1-based): chr15:90,749,639, A>G. VCF-style: chr15-90749639-A-G. GRCh37 (hg19) VCF-style: chr15-91292869-A-G.
Other names: c.371A>G (NM_000057.2); c.371A>G, p.Asn124Ser (NM_001287246.2, NM_001287247.2); c.-921A>G (NM_001287248.2); short protein forms N124S.
Identifiers: ClinVar variation 524811 (VCV000524811.10), dbSNP rs770825975, ClinGen allele CA7738284.

ClinVar aggregate classification (germline): Uncertain significance. Review status: criteria provided, multiple submitters, no conflicts (2 of 4 stars). 2 submissions from 2 submitters: Uncertain significance (2). Last evaluated 2024-03-17.

Conditions:
Hereditary cancer-predisposing syndrome. Also called: Neoplastic Syndromes, Hereditary; Hereditary neoplastic syndrome; Tumor predisposition; Hereditary Cancer Syndrome. Identifiers: Orphanet 140162, MedGen C0027672, MeSH D009386, MONDO:0015356.
Bloom syndrome (BLM). Also called: Bloom-Torre-Machacek syndrome. Identifiers: Orphanet 125, MedGen C0005859, MONDO:0008876, OMIM 210900.

Allele frequency attached by ClinVar (database versions not stated): gnomAD exomes 0.00005 and 0.00002; ExAC 0.00003.
gnomAD v4.1: 33 of 1,614,146 alleles (0.002%); highest among the groups gnomAD compares: South Asian, 0.034%; no homozygotes.

Submissions (2):

Labcorp Genetics (formerly Invitae), Labcorp
Classification: Uncertain significance for Bloom syndrome. Last evaluated: 2024-03-17. Review status: criteria provided, single submitter. Criteria: Invitae Variant Classification Sherloc (09022015). Collection method: clinical testing. Allele origin: germline.
Comment: This sequence change replaces asparagine, which is neutral and polar, with serine, which is neutral and polar, at codon 124 of the BLM protein (p.Asn124Ser). This variant is present in population databases (rs770825975, gnomAD 0.04%). This variant has not been reported in the literature in individuals affected with BLM-related conditions. ClinVar contains an entry for this variant (Variation ID: 524811). Algorithms developed to predict the effect of missense changes on protein structure and function output the following: SIFT: "Not Available"; PolyPhen-2: "Benign"; Align-GVGD: "Not Available". The serine amino acid residue is found in multiple mammalian species, which suggests that this missense change does not adversely affect protein function. In summary, the available evidence is currently insufficient to determine the role of this variant in disease. Therefore, it has been classified as a Variant of Uncertain Significance.

Ambry Genetics
Classification: Uncertain significance for Hereditary cancer-predisposing syndrome. Last evaluated: 2022-12-18. Review status: criteria provided, single submitter. Criteria: Ambry Variant Classification Scheme 2023. Collection method: clinical testing. Allele origin: germline.
Comment: The p.N124S variant (also known as c.371A>G), located in coding exon 2 of the BLM gene, results from an A to G substitution at nucleotide position 371. The asparagine at codon 124 is replaced by serine, an amino acid with highly similar properties. This amino acid position is conserved. In addition, this alteration is predicted to be tolerated by in silico analysis. Since supporting evidence is limited at this time, the clinical significance of this alteration remains unclear.